The following is an entry in ClinVar:

NM_004990.4(MARS1):c.447G>C (p.Trp149Cys)

Gene: MARS1 (methionyl-tRNA synthetase 1; plus strand). Cytogenetic location: 12q13.3.
Variant type: single nucleotide variant.
Coding change: c.447G>C on transcript NM_004990.4 (MANE Select); coding-DNA position 447, G replaced by C.
Protein change: p.Trp149Cys; replaces tryptophan 149 with cysteine.
Molecular consequence: missense variant.
Genome position (GRCh38, 1-based): chr12:57,489,928, G>C. VCF-style: chr12-57489928-G-C. GRCh37 (hg19) VCF-style: chr12-57883711-G-C.
Other names: short protein forms W149C.
Identifiers: ClinVar variation 3362296 (VCV003362296.3).

ClinVar aggregate classification (germline): Uncertain significance (1 of 4 stars; one submission).

Conditions:
Severe early-onset pulmonary alveolar proteinosis due to MARS deficiency. Also called: PULMONARY ALVEOLAR PROTEINOSIS, REUNION ISLAND; Interstitial lung and liver disease. Identifiers: Orphanet 440427, MedGen C4225400, MONDO:0014206, OMIM 615486.

Submission:

Neuberg Centre For Genomic Medicine, NCGM
Classification: Uncertain significance for Severe early-onset pulmonary alveolar proteinosis due to MARS deficiency. Last evaluated: 2023-06-02. Review status: criteria provided, single submitter. Criteria: ACMG Guidelines, 2015. Collection method: clinical testing. Allele origin: germline. Inheritance: Autosomal recessive inheritance. Affected: yes.
Comment: The observed missense variant c.447G>C(p.Trp149Cys) in MARS1 gene has not been reported previously as a pathogenic variant nor as a benign variant, to our knowledge. The c.447G>C(p.Trp149Cys) variant is absent in gnomAD Exomes. The amino acid Trp at position 149 is changed to a Cys changing protein sequence and it might alter its composition and physico-chemical properties. Multiple lines of computational evidence (Polyphen-probabaly damaging, SIFT-damaging and Mutation Taster-disease causing) predict a damaging effect on protein structure and function for this variant. The reference amino acid p.Trp149Cys in MARS1 is predicted as conserved by GERP++ and PhyloP across 100 vertebrates. For these reasons, this variant has been classified as Uncertain Significance.